The following is an entry in ClinVar:

NM_007194.4(CHEK2):c.1418C>T (p.Ala473Val)

Gene: CHEK2 (checkpoint kinase 2; minus strand). Cytogenetic location: 22q12.1.
Variant type: single nucleotide variant.
Coding change: c.1418C>T on transcript NM_007194.4 (MANE Select); coding-DNA position 1418, C replaced by T.
Protein change: p.Ala473Val; replaces alanine 473 with valine.
Molecular consequence: missense variant.
Genome position (GRCh38, 1-based): chr22:28,694,075, G>A on the plus strand (C>T on the coding strand, the complement: CHEK2 is on the minus strand). VCF-style: chr22-28694075-G-A. GRCh37 (hg19) VCF-style: chr22-29090063-G-A.
Other names: c.1547C>T, p.Ala516Val (NM_001005735.3); c.755C>T, p.Ala252Val (NM_001257387.3); c.1217C>T, p.Ala406Val (NM_001349956.3); c.1331C>T, p.Ala444Val (NM_145862.3); short protein forms A473V, A252V, A444V, A516V, A406V.
Identifiers: ClinVar variation 410001 (VCV000410001.10), dbSNP rs1060502685, ClinGen allele CA16616573.

ClinVar aggregate classification (germline): Uncertain significance. Review status: criteria provided, multiple submitters, no conflicts (2 of 4 stars). 2 submissions from 2 submitters: Uncertain significance (2). Last evaluated 2024-03-15.

Conditions:
Hereditary cancer-predisposing syndrome. Also called: Tumor predisposition; Hereditary Cancer Syndrome; Hereditary neoplastic syndrome; Neoplastic Syndromes, Hereditary. Identifiers: Orphanet 140162, MedGen C0027672, MeSH D009386, MONDO:0015356.
Familial cancer of breast. Also called: BREAST CANCER, FAMILIAL; Hereditary breast cancer; hereditary breast carcinoma. Identifiers: Orphanet 227535, MedGen C0346153, MONDO:0016419, OMIM 114480. Disease mechanism: loss of function.

Submissions (2):

Ambry Genetics
Classification: Uncertain significance for Hereditary cancer-predisposing syndrome. Last evaluated: 2024-03-15. Review status: criteria provided, single submitter. Criteria: Ambry Variant Classification Scheme 2023. Collection method: clinical testing. Allele origin: germline.
Comment: The p.A473V variant (also known as c.1418C>T), located in coding exon 12 of the CHEK2 gene, results from a C to T substitution at nucleotide position 1418. The alanine at codon 473 is replaced by valine, an amino acid with similar properties. This nucleotide position is not well conserved in available vertebrate species. In silico splice site analysis predicts that this alteration will result in the creation or strengthening of a novel splice donor site; however, direct evidence is insufficient at this time (Ambry internal data). This amino acid position is not well conserved in available vertebrate species. In addition, this alteration is predicted to be tolerated by in silico analysis. Based on the available evidence, the clinical significance of this alteration remains unclear.

Labcorp Genetics (formerly Invitae), Labcorp
Classification: Uncertain significance for Familial cancer of breast. Last evaluated: 2018-03-22. Review status: criteria provided, single submitter. Criteria: Invitae Variant Classification Sherloc (09022015). Collection method: clinical testing. Allele origin: germline.
Comment: In summary, the available evidence is currently insufficient to determine the role of this variant in disease. Therefore, it has been classified as a Variant of Uncertain Significance. Algorithms developed to predict the effect of sequence changes on RNA splicing suggest that this variant may create or strengthen a splice site, but this prediction has not been confirmed by published transcriptional studies. Algorithms developed to predict the effect of missense changes on protein structure and function output the following: SIFT: "Tolerated"; PolyPhen-2: "Benign"; Align-GVGD: "Class C0". The valine amino acid residue is found in multiple mammalian species, suggesting that this missense change does not adversely affect protein function. These predictions have not been confirmed by published functional studies and their clinical significance is uncertain. This variant has not been reported in the literature in individuals with CHEK2-related disease. ClinVar contains an entry for this variant (Variation ID: 410001). This variant is not present in population databases (ExAC no frequency). This sequence change replaces alanine with valine at codon 473 of the CHEK2 protein (p.Ala473Val). The alanine residue is moderately conserved and there is a small physicochemical difference between alanine and valine.